The following is an entry in ClinVar:

ClinVar aggregate classification (germline): Uncertain significance (1 of 4 stars; one submission).

gnomAD v4.1: 1 of 1,597,334 alleles (0.000063%); highest among the groups gnomAD compares: Non-Finnish European, 0.000086%; no homozygotes.

Submission:

GeneDx
Classification: Uncertain significance. Last evaluated: 2022-11-29. Review status: criteria provided, single submitter. Criteria: GeneDx Variant Classification Process June 2021. Collection method: clinical testing. Allele origin: germline. Affected: yes.
Comment: Alters the last nucleotide of the exon and is predicted to destroy the splice donor site and result in aberrant splicing, although in the absence of functional evidence the actual effect of this sequence change is unknown; Not observed at significant frequency in large population cohorts (gnomAD); Has not been previously published as pathogenic or benign to our knowledge

NM_001393769.1(MED12L):c.204G>A (p.Lys68=)

Gene: MED12L (mediator complex subunit 12L; plus strand). Cytogenetic location: 3q25.1.
Variant type: single nucleotide variant.
Coding change: c.204G>A on transcript NM_001393769.1 (MANE Select); coding-DNA position 204, G replaced by A.
Protein change: p.Lys68=; no amino-acid change (lysine 68 retained).
Molecular consequence: synonymous variant.
Genome position (GRCh38, 1-based): chr3:151,116,442, G>A. VCF-style: chr3-151116442-G-A. GRCh37 (hg19) VCF-style: chr3-150834229-G-A.
Other names: c.204G>A, p.Lys68= (NM_053002.6).
Identifiers: ClinVar variation 2504500 (VCV002504500.1), dbSNP rs2529693723, ClinGen allele CA436264220.